The following is an entry in ClinVar:

NM_013336.4(SEC61A1):c.1167+96G>A

Genes: RUVBL1 (RuvB like AAA ATPase 1; minus strand), SEC61A1 (SEC61 translocon subunit alpha 1; plus strand). Cytogenetic location: 3q21.3.
Variant type: single nucleotide variant.
Coding change: c.1167+96G>A on transcript NM_013336.4 (MANE Select); 96 bases into the intron after coding-DNA position 1167, G replaced by A.
Molecular consequence: intron variant.
Genome position (GRCh38, 1-based): chr3:128,067,708, G>A. VCF-style: chr3-128067708-G-A. GRCh37 (hg19) VCF-style: chr3-127786551-G-A.
Other names: c.1185+96G>A (NM_001400328.1); c.1008+96G>A (NM_001400329.1); c.940-2488C>T (NM_001319086.1).
Identifiers: ClinVar variation 1221505 (VCV001221505.8), dbSNP rs9858267, ClinGen allele CA11482134.

ClinVar aggregate classification (germline): Benign. Review status: criteria provided, multiple submitters, no conflicts (2 of 4 stars). 3 submissions from 3 submitters: Benign (3). Last evaluated 2024-01-24.

Allele frequency attached by ClinVar (database versions not stated): TOPMed 0.22189; gnomAD 0.23234 and 0.23026; 1000 Genomes Project 0.20068; 1000 Genomes Project 30x 0.20159; gnomAD exomes 0.23250.
gnomAD v4.1: 237,752 of 1,022,698 alleles (23%); highest among the groups gnomAD compares: South Asian, 27%; 29,105 homozygotes.

Submissions (3):

Unidad de Genómica Garrahan, Hospital de Pediatría Garrahan
Classification: Benign. Last evaluated: 2024-01-24. Review status: criteria provided, single submitter. Criteria: ACMG Guidelines, 2015. Collection method: clinical testing. Allele origin: germline. Affected: no. Observed: 26 variant alleles.
Comment: This variant is classified as Benign based on local population frequency. This variant was detected in 27% of patients studied by a panel of primary immunodeficiencies. Number of patients: 26. Only high quality variants are reported.

GeneDx
Classification: Benign. Last evaluated: 2019-01-25. Review status: criteria provided, single submitter. Criteria: GeneDx Variant Classification Process June 2021. Collection method: clinical testing. Allele origin: germline. Affected: yes.

Breakthrough Genomics
Classification: Benign. Review status: criteria provided, single submitter. Criteria: ACMG Guidelines, 2015. Collection method: not provided. Allele origin: germline. Inheritance: Autosomal dominant inheritance. Affected: yes.